The following is an entry in ClinVar:

ClinVar aggregate classification (germline): Likely benign. Review status: criteria provided, multiple submitters, no conflicts (2 of 4 stars). 2 submissions from 2 submitters: Likely benign (2). Last evaluated 2025-10-23.

Conditions:
Lowe syndrome (OCRL). Also called: Oculocerebrorenal Syndrome; LOWE OCULOCEREBRORENAL SYNDROME; PHOSPHATIDYLINOSITOL 4,5-BISPHOSPHATE 5-PHOSPHATASE DEFICIENCY. Identifiers: Orphanet 534, MedGen C0028860, MONDO:0010645, OMIM 309000.
OCRL-related disorder. Also called: OCRL-related condition.

Allele frequency attached by ClinVar (database versions not stated): gnomAD exomes 0.00003 and 0.00006; TOPMed 0.00003; gnomAD 0.00004 and 0.00005; ExAC 0.00007; ESP Exome Variant Server 0.00009; 1000 Genomes Project 30x 0.00021; 1000 Genomes Project 0.00026.
gnomAD v4.1: 34 of 1,080,294 alleles (0.0031%); highest among the groups gnomAD compares: Non-Finnish European, 0.0042%; no homozygotes.

Submissions (2):

Labcorp Genetics (formerly Invitae), Labcorp
Classification: Likely benign for Lowe syndrome. Last evaluated: 2025-10-23. Review status: criteria provided, single submitter. Criteria: Invitae Variant Classification Sherloc (09022015). Collection method: clinical testing. Allele origin: germline.

PreventionGenetics, part of Exact Sciences
Classification: Likely benign for OCRL-related condition. Last evaluated: 2024-10-30. Review status: criteria provided, single submitter. Criteria: ACMG Guidelines, 2015. Collection method: clinical testing. Allele origin: germline.
Comment: This variant is classified as likely benign based on ACMG/AMP sequence variant interpretation guidelines (Richards et al. 2015 PMID: 25741868, with internal and published modifications).

NM_000276.4(OCRL):c.1713+6C>G

Gene: OCRL (OCRL inositol polyphosphate-5-phosphatase; plus strand). Cytogenetic location: Xq26.1.
Variant type: single nucleotide variant.
Coding change: c.1713+6C>G on transcript NM_000276.4 (MANE Select); 6 bases into the intron after coding-DNA position 1713, C replaced by G.
Molecular consequence: intron variant.
Genome position (GRCh38, 1-based): chrX:129,575,256, C>G. VCF-style: chrX-129575256-C-G. GRCh37 (hg19) VCF-style: chrX-128709233-C-G.
Other names: c.1713+6C>G (NM_000276.3, NM_001587.4); c.1716+6C>G (NM_001318784.2).
Identifiers: ClinVar variation 1592798 (VCV001592798.9), dbSNP rs191367057, ClinGen allele CA10512233.